The following is an entry in ClinVar:

NM_001009944.3(PKD1):c.6137T>C (p.Leu2046Pro)

Gene: PKD1 (polycystin 1, transient receptor potential channel interacting; minus strand). Cytogenetic location: 16p13.3.
Variant type: single nucleotide variant.
Coding change: c.6137T>C on transcript NM_001009944.3 (MANE Select); coding-DNA position 6137, T replaced by C.
Protein change: p.Leu2046Pro; replaces leucine 2046 with proline.
Molecular consequence: missense variant.
Genome position (GRCh38, 1-based): chr16:2,109,030, A>G on the plus strand (T>C on the coding strand, the complement: PKD1 is on the minus strand). VCF-style: chr16-2109030-A-G. GRCh37 (hg19) VCF-style: chr16-2159031-A-G.
Other names: c.6137T>C, p.Leu2046Pro (NM_000296.4); short protein forms L2046P.
Identifiers: ClinVar variation 3376940 (VCV003376940.2).

ClinVar aggregate classification (germline): Conflicting classifications of pathogenicity. Review status: criteria provided, conflicting classifications (1 of 4 stars). 2 submissions from 2 submitters: Likely pathogenic (1); Uncertain significance (1). Last evaluated 2024-10-11.

Conditions:
PKD1-related disorder. Also called: PKD1-related condition.
Polycystic kidney disease, adult type (PKD1). Also called: Polycystic Kidney Disease 1, Autosomal Dominant; Polycystic kidney disease 1; Polycystic kidney disease 1, severe; POLYCYSTIC KIDNEY DISEASE 1 WITH OR WITHOUT POLYCYSTIC LIVER DISEASE; POLYCYSTIC KIDNEY DISEASE, ADULT, TYPE I; Polycystic Kidney, Autosomal Dominant. Identifiers: MedGen C3149841, MONDO:0008263, OMIM 173900.

Submissions (2):

Victorian Clinical Genetics Services, Murdoch Childrens Research Institute
Classification: Uncertain significance for Polycystic kidney disease, adult type. Last evaluated: 2024-10-11. Review status: criteria provided, single submitter. Criteria: ACMG Guidelines, 2015. Collection method: clinical testing. Allele origin: germline. Inheritance: Autosomal dominant inheritance. Affected: yes.
Comment: Based on the classification scheme VCGS_Germline_v1.3.5, this variant is classified as VUS-3A. Following criteria are met: 0102 - Loss of function is a known mechanism of disease in this gene and is associated with polycystic kidney disease 1 (MIM#173900). (I) 0107 - This gene is associated with autosomal dominant disease. Polycystic kidney disease 1 (MIM#173900) is predominantly caused by monoallelic variants, with rare reports of biallelic variants causing disease (OMIM). (I) 0200 - Variant is predicted to result in a missense amino acid change from leucine to proline. (I) 0251 - This variant is heterozygous. (I) 0302 - Variant is present in gnomAD (v4) <0.001 for a dominant condition (1 heterozygote, 0 homozygotes). (SP) 0309 - An alternative amino acid change at the same position has been observed in gnomAD (v4: 4 heterozygotes, 0 homozygotes). (I) 0502 - Missense variant with conflicting in silico predictions and high conservation. (I) 0600 - Variant is located in the annotated PKD domain (DECIPHER). (I) 0705 - No comparable missense variants have previous evidence for pathogenicity. (I) 0803 - This variant has limited previous evidence of pathogenicity in unrelated individuals. This variant has been observed in two unrelated individuals with ADPKD (PMIDs: 31079206, 27499327). (SP) 0906 - Segregation evidence for this variant is inconclusive. This variant was paternally inherited and the father showed signs of PKD, while the mother appeared asymptomatic. (I) 1010 - Functional evidence for this variant is inconclusive. Relative expression levels of PC1 and TRPP2 proteins, and intracellular calcium levels due to ATP and PAF evoked channel activation pathways have been measured in an ADPKD affected individual with this variant. However, these values were not used in determining the impact this mutation had on the pathogenesis of PKD in this paper (PMID: 31514750). (I) 1208 - Inheritance information for this variant is not currently available in this individual. (I) Legend: (SP) - Supporting pathogenic, (I) - Information, (SB) - Supporting benign

Blueprint Genetics
Classification: Likely pathogenic for PKD1-related disorders. Last evaluated: 2024-04-23. Review status: criteria provided, single submitter. Criteria: ACMG Guidelines, 2015. Collection method: clinical testing. Allele origin: germline. Affected: yes. Observed: 2 variant alleles.

Literature cited by the submitters: PubMed 27499327 (cited by Victorian Clinical Genetics Services, Murdoch Childrens Research Institute); PubMed 31079206 (cited by Victorian Clinical Genetics Services, Murdoch Childrens Research Institute); PubMed 31514750 (cited by Victorian Clinical Genetics Services, Murdoch Childrens Research Institute).